The following is an entry in ClinVar:

ClinVar aggregate classification (germline): Uncertain significance (1 of 4 stars; one submission).

Conditions:
Inborn genetic diseases. Identifiers: MedGen C0950123, MeSH D030342.

Submission:

Ambry Genetics
Classification: Uncertain significance for Inborn genetic diseases. Last evaluated: 2025-03-19. Review status: criteria provided, single submitter. Criteria: Ambry Variant Classification Scheme 2023. Collection method: clinical testing. Allele origin: germline.
Comment: The p.P496S variant (also known as c.1486C>T), located in coding exon 8 of the MECOM gene, results from a C to T substitution at nucleotide position 1486. The proline at codon 496 is replaced by serine, an amino acid with similar properties. This amino acid position is conserved. In addition, this alteration is predicted to be tolerated by in silico analysis. Based on the available evidence, the clinical significance of this variant remains unclear.

NM_004991.4(MECOM):c.1486C>T (p.Pro496Ser)

Gene: MECOM (MDS1 and EVI1 complex locus; minus strand). Cytogenetic location: 3q26.2.
Variant type: single nucleotide variant.
Coding change: c.1486C>T on transcript NM_004991.4 (MANE Select); coding-DNA position 1486, C replaced by T.
Protein change: p.Pro496Ser; replaces proline 496 with serine.
Molecular consequence: missense variant. On other transcripts: intron variant (2).
Genome position (GRCh38, 1-based): chr3:169,116,386, G>A on the plus strand (C>T on the coding strand, the complement: MECOM is on the minus strand). VCF-style: chr3-169116386-G-A. GRCh37 (hg19) VCF-style: chr3-168834174-G-A.
Other names: c.1117C>T, p.Pro373Ser (NM_001105077.4); c.922C>T, p.Pro308Ser (NM_001105078.4, NM_001164000.2, NM_001205194.2 and 4 more transcripts); c.925C>T, p.Pro309Ser (NM_001163999.2, NM_001366467.2, NM_001366468.2 and 1 more transcripts); c.1486C>T, p.Pro496Ser (NM_001366466.2); c.1133-619C>T (NM_001366473.2); c.569-619C>T (NM_001366474.2); short protein forms P373S, P308S, P496S, P309S.
Identifiers: ClinVar variation 4053081 (VCV004053081.1).